The following is an entry in ClinVar:

ClinVar aggregate classification (germline): Uncertain significance (1 of 4 stars; one submission).

Submission:

GeneDx
Classification: Uncertain significance. Last evaluated: 2023-05-26. Review status: criteria provided, single submitter. Criteria: GeneDx Variant Classification Process June 2021. Collection method: clinical testing. Allele origin: germline. Affected: yes.
Comment: Not observed at significant frequency in large population cohorts (gnomAD); In silico analysis supports that this missense variant has a deleterious effect on protein structure/function; Has not been previously published as pathogenic or benign to our knowledge

NM_001079668.3(NKX2-1):c.650C>G (p.Ser217Trp)

Genes: NKX2-1 (NK2 homeobox 1; minus strand), SFTA3 (surfactant associated 3; minus strand). Cytogenetic location: 14q13.3.
Variant type: single nucleotide variant.
Coding change: c.650C>G on transcript NM_001079668.3 (MANE Select); coding-DNA position 650, C replaced by G.
Protein change: p.Ser217Trp; replaces serine 217 with tryptophan.
Molecular consequence: missense variant.
Genome position (GRCh38, 1-based): chr14:36,517,834, G>C on the plus strand (C>G on the coding strand, the complement: NKX2-1 is on the minus strand). VCF-style: chr14-36517834-G-C. GRCh37 (hg19) VCF-style: chr14-36987039-G-C.
Other names: c.560C>G, p.Ser187Trp (NM_003317.4); short protein forms S187W, S217W.
Identifiers: ClinVar variation 3343742 (VCV003343742.1).